The following is an entry in ClinVar:

NM_001563.4(IMPG1):c.2305C>G (p.Gln769Glu)

Gene: IMPG1 (interphotoreceptor matrix proteoglycan 1; minus strand). Cytogenetic location: 6q14.1.
Variant type: single nucleotide variant.
Coding change: c.2305C>G on transcript NM_001563.4 (MANE Select); coding-DNA position 2305, C replaced by G.
Protein change: p.Gln769Glu; replaces glutamine 769 with glutamic acid.
Molecular consequence: missense variant.
Genome position (GRCh38, 1-based): chr6:75,923,645, G>C on the plus strand (C>G on the coding strand, the complement: IMPG1 is on the minus strand). VCF-style: chr6-75923645-G-C. GRCh37 (hg19) VCF-style: chr6-76633362-G-C.
Other names: c.2071C>G, p.Gln691Glu (NM_001282368.2); short protein forms Q691E, Q769E.
Identifiers: ClinVar variation 4777892 (VCV004777892.1).

ClinVar aggregate classification (germline): Uncertain significance (1 of 4 stars; one submission).

gnomAD v4.1: 2 of 1,544,702 alleles (0.00013%); highest among the groups gnomAD compares: Non-Finnish European, 0.00018%; no homozygotes.

Submission:

Labcorp Genetics (formerly Invitae), Labcorp
Classification: Uncertain significance. Last evaluated: 2025-04-28. Review status: criteria provided, single submitter. Criteria: Invitae Variant Classification Sherloc (09022015). Collection method: clinical testing. Allele origin: germline.
Comment: This sequence change replaces glutamine, which is neutral and polar, with glutamic acid, which is acidic and polar, at codon 769 of the IMPG1 protein (p.Gln769Glu). This variant is not present in population databases (gnomAD no frequency). This variant has not been reported in the literature in individuals affected with IMPG1-related conditions. An algorithm developed to predict the effect of missense changes on protein structure and function outputs the following: PolyPhen-2: "Benign". The glutamic acid amino acid residue is found in multiple mammalian species, which suggests that this missense change does not adversely affect protein function. In summary, the available evidence is currently insufficient to determine the role of this variant in disease. Therefore, it has been classified as a Variant of Uncertain Significance.